The following is an entry in ClinVar:

NM_000494.4(COL17A1):c.3277+3G>C

Gene: COL17A1 (collagen type XVII alpha 1 chain; minus strand). Cytogenetic location: 10q25.1.
Variant type: single nucleotide variant.
Coding change: c.3277+3G>C on transcript NM_000494.4 (MANE Select); 3 bases into the intron after coding-DNA position 3277, G replaced by C.
Molecular consequence: intron variant.
Genome position (GRCh38, 1-based): chr10:104,037,042, C>G on the plus strand (G>C on the coding strand, the complement: COL17A1 is on the minus strand). VCF-style: chr10-104037042-C-G. GRCh37 (hg19) VCF-style: chr10-105796800-C-G.
Other names: c.3277+3G>C (LRG_1249t1).
Identifiers: ClinVar variation 298697 (VCV000298697.9), dbSNP rs757250244, ClinGen allele CA5678043.

ClinVar aggregate classification (germline): Uncertain significance. Review status: criteria provided, multiple submitters, no conflicts (2 of 4 stars). 4 submissions from 4 submitters: Uncertain significance (4). Last evaluated 2025-07-07.

Conditions:
Epithelial recurrent erosion dystrophy (ERED). Also called: CORNEAL EROSIONS, RECURRING HEREDITARY. Identifiers: Orphanet 293381, MedGen C1852551, MONDO:0007381, OMIM 122400.
Epidermolysis bullosa, junctional 4, intermediate. Also called: Epidermolysis bullosa, junctional, localisata variant; EPIDERMOLYSIS BULLOSA, JUNCTIONAL 4, NON-HERLITZ TYPE; EPIDERMOLYSIS BULLOSA, GENERALIZED ATROPHIC BENIGN. Identifiers: MedGen C2608084, MONDO:0030750, OMIM 619787.
Junctional epidermolysis bullosa, non-Herlitz type. Also called: EPIDERMOLYSIS BULLOSA JUNCTIONALIS, DISENTIS TYPE; EPIDERMOLYSIS BULLOSA JUNCTIONALIS, NON-HERLITZ TYPE; EPIDERMOLYSIS BULLOSA JUNCTIONALIS, PROGRESSIVE; EPIDERMOLYSIS BULLOSA JUNCTIONALIS, SEVERE NONLETHAL; COL17A1-Related Junctional Epidermolysis Bullosa; Epidermolysis bullosa, junctional, non-herlitz type, somatic mosaic revertant. Identifiers: Orphanet 251393, Orphanet 79402, Orphanet 79405, Orphanet 89840, MedGen C0268374, MONDO:0009180, OMIM 226650.

Allele frequency attached by ClinVar (database versions not stated): gnomAD 0.00007; TOPMed 0.00008.
gnomAD v4.1: 115 of 1,603,306 alleles (0.0072%); highest among the groups gnomAD compares: Middle Eastern, 0.086%; 1 homozygote.

Submissions (4):

Labcorp Genetics (formerly Invitae), Labcorp
Classification: Uncertain significance. Last evaluated: 2025-07-07. Review status: criteria provided, single submitter. Criteria: Invitae Variant Classification Sherloc (09022015). Collection method: clinical testing. Allele origin: germline.
Comment: This sequence change falls in intron 47 of the COL17A1 gene. It does not directly change the encoded amino acid sequence of the COL17A1 protein. It affects a nucleotide within the consensus splice site. This variant is present in population databases (rs757250244, gnomAD 0.008%). This variant has been observed in individual(s) with hypodontia (PMID: 28813618). ClinVar contains an entry for this variant (Variation ID: 298697). Variants that disrupt the consensus splice site are a relatively common cause of aberrant splicing (PMID: 17576681, 9536098). Algorithms developed to predict the effect of sequence changes on RNA splicing suggest that this variant may disrupt the consensus splice site. In summary, the available evidence is currently insufficient to determine the role of this variant in disease. Therefore, it has been classified as a Variant of Uncertain Significance.

Blueprint Genetics
Classification: Uncertain significance. Last evaluated: 2024-07-26. Review status: criteria provided, single submitter. Criteria: ACMG Guidelines, 2015. Collection method: clinical testing. Allele origin: germline.

Department of Pathology and Laboratory Medicine, Sinai Health System
Classification: Uncertain significance for Epithelial recurrent erosion dystrophy; Epidermolysis bullosa, junctional 4, intermediate. Last evaluated: 2021-11-08. Review status: criteria provided, single submitter. Criteria: ACMG Guidelines, 2015. Collection method: research. Allele origin: germline.

Illumina Laboratory Services, Illumina
Classification: Uncertain significance for Junctional epidermolysis bullosa, non-Herlitz type. Last evaluated: 2018-01-13. Review status: criteria provided, single submitter. Criteria: ICSL Variant Classification Criteria 13 December 2019. Collection method: clinical testing. Allele origin: germline.

Literature cited by the submitters: PubMed 28813618 (cited by Labcorp Genetics (formerly Invitae), Labcorp); PubMed 17576681 (cited by Labcorp Genetics (formerly Invitae), Labcorp); PubMed 9536098 (cited by Labcorp Genetics (formerly Invitae), Labcorp).